The following is an entry in ClinVar:

ClinVar aggregate classification (germline): Uncertain significance (1 of 4 stars; one submission).

Conditions:
Inborn genetic diseases. Identifiers: MedGen C0950123, MeSH D030342.

Submission:

Ambry Genetics
Classification: Uncertain significance for Inborn genetic diseases. Last evaluated: 2025-03-24. Review status: criteria provided, single submitter. Criteria: Ambry Variant Classification Scheme 2023. Collection method: clinical testing. Allele origin: germline.
Comment: The p.P290S variant (also known as c.868C>T), located in coding exon 9 of the DDX41 gene, results from a C to T substitution at nucleotide position 868. The proline at codon 290 is replaced by serine, an amino acid with similar properties. This amino acid position is highly conserved in available vertebrate species. In addition, this alteration is predicted to be tolerated by in silico analysis. Based on the available evidence, the clinical significance of this variant remains unclear.

NM_016222.4(DDX41):c.868C>T (p.Pro290Ser)

Gene: DDX41 (DEAD-box helicase 41; minus strand). Cytogenetic location: 5q35.3.
Variant type: single nucleotide variant.
Coding change: c.868C>T on transcript NM_016222.4 (MANE Select); coding-DNA position 868, C replaced by T.
Protein change: p.Pro290Ser; replaces proline 290 with serine.
Molecular consequence: missense variant.
Genome position (GRCh38, 1-based): chr5:177,514,768, G>A on the plus strand (C>T on the coding strand, the complement: DDX41 is on the minus strand). VCF-style: chr5-177514768-G-A. GRCh37 (hg19) VCF-style: chr5-176941769-G-A.
Other names: c.490C>T, p.Pro164Ser (NM_001321732.2, NM_001321830.2); short protein forms P290S, P164S.
Identifiers: ClinVar variation 4010255 (VCV004010255.1).
Genomic context (GRCh38, chr5:177,514,768, plus strand): 5'-TGGTCTCCATCTGCTCTTTCACGGACATGCCCCCAATGCAGAGGGCGCAGCGCAGGAGTG[G>A]TGAGCTGTCCTCCTGCAGCAGGCGGCAGTAGTACTCCAGGATGCCATGGGTCTGCCGGGC-3'
Protein context (NP_057306.2, residues 280-300): YCRLLQEDSS[Pro290Ser]LLRCALCIGG